The following is an entry in ClinVar:

NM_001129.5(AEBP1):c.901_904del (p.Asp301fs)

Gene: AEBP1 (AE binding protein 1; plus strand). Cytogenetic location: 7p13.
Variant type: Deletion.
Coding change: c.901_904del on transcript NM_001129.5 (MANE Select); coding-DNA positions 901 to 904, 4 bases deleted (GACT; older notation c.901_904delGACT).
Protein change: p.Asp301fs; shifts the reading frame from aspartic acid 301.
Molecular consequence: frameshift variant.
Genome position (GRCh38, 1-based): chr7:44,108,045-44,108,048, GACT deleted; deleting any 4 consecutive bases within chr7:44,108,043-44,108,048 gives the same sequence; the c. name uses the placement nearest the transcript's 3' end. VCF-style (leftmost placement, unchanged base first): chr7-44108042-CCTGA-C. GRCh37 (hg19) VCF-style: chr7-44147641-CCTGA-C.
Other names: short protein forms D301fs.
Identifiers: ClinVar variation 4293613 (VCV004293613.1).

ClinVar aggregate classification (germline): Likely pathogenic (1 of 4 stars; one submission).

Conditions:
Ehlers-Danlos syndrome, classic-like, 2. Identifiers: Orphanet 536532, MedGen C4693870, MONDO:0054813, OMIM 618000.

Submission:

3billion
Classification: Likely pathogenic for Ehlers-Danlos syndrome, classic-like, 2. Last evaluated: 2024-09-13. Review status: criteria provided, single submitter. Criteria: ACMG Guidelines, 2015. Collection method: clinical testing. Allele origin: germline. Affected: yes.
Comment: The variant is observed at an extremely low frequency in the gnomAD v4.0.0 dataset (total allele frequency: <0.001%). Predicted Consequence/Location: Frameshift: predicted to result in a loss or disruption of normal protein function through nonsense-mediated decay (NMD) or protein truncation. Multiple pathogenic variants are reported downstream of the variant. Therefore, this variant is classified as Likely pathogenic according to the recommendation of ACMG/AMP guideline.